The following is an entry in ClinVar:

NM_014314.4(RIGI):c.242-4del

Gene: RIGI (RNA sensor RIG-I; minus strand). Cytogenetic location: 9p21.1.
Variant type: Deletion.
Coding change: c.242-4del on transcript NM_014314.4 (MANE Select); 4 bases into the intron before coding-DNA position 242, one base deleted (T; older notation c.242-4delT).
Molecular consequence: intron variant.
Genome position (GRCh38, 1-based): chr9:32,493,946, A deleted on the plus strand (T on the coding strand, the reverse complement: RIGI is on the minus strand); the first of 8 consecutive A bases (chr9:32,493,946-32,493,953); deleting any one gives the same sequence. VCF-style (leftmost placement, unchanged base first): chr9-32493945-GA-G. GRCh37 (hg19) VCF-style: chr9-32493943-GA-G.
Other names: c.-220-4del (NM_001385912.1); c.242-4del (NM_001385913.1, NM_001385907.1, NM_001385909.1); c.-213-4del (NM_001385914.1, NM_001385910.1).
Identifiers: ClinVar variation 1565399 (VCV001565399.30), dbSNP rs762488982, ClinGen allele CA5020126.

ClinVar aggregate classification (germline): Benign/Likely benign. Review status: criteria provided, multiple submitters, no conflicts (2 of 4 stars). 2 submissions from 2 submitters: Benign (1); Likely benign (1). Last evaluated 2023-12-01.

Submissions (2):

CeGaT Center for Human Genetics Tuebingen
Classification: Likely benign. Last evaluated: 2023-12-01. Review status: criteria provided, single submitter. Criteria: CeGaT Center For Human Genetics Tuebingen Variant Classification Criteria Version 2. Collection method: clinical testing. Allele origin: germline. Affected: yes. Observed: 1 variant allele.
Comment: RIGI: BP4

Labcorp Genetics (formerly Invitae), Labcorp
Classification: Benign. Last evaluated: 2021-11-22. Review status: criteria provided, single submitter. Criteria: Invitae Variant Classification Sherloc (09022015). Collection method: clinical testing. Allele origin: germline.